The following is an entry in ClinVar:

ClinVar aggregate classification (germline): Pathogenic/Likely pathogenic. Review status: criteria provided, multiple submitters, no conflicts (2 of 4 stars). 2 submissions from 2 submitters: Pathogenic (1); Likely pathogenic (1). Last evaluated 2024-06-28.

Conditions:
Mitochondrial complex I deficiency, nuclear type 7. Also called: Mitochondrial complex 1 deficiency, nuclear type 7. Identifiers: MedGen C4748760, MONDO:0032612, OMIM 618229.

Allele frequency attached by ClinVar (database versions not stated): gnomAD exomes below 0.00001; gnomAD 0.00001; TOPMed 0.00002.
gnomAD v4.1: 7 of 1,613,198 alleles (0.00043%); highest among the groups gnomAD compares: Admixed American, 0.0033%; no homozygotes.

Submissions (2):

3billion
Classification: Pathogenic for Mitochondrial complex I deficiency, nuclear type 7. Last evaluated: 2024-06-28. Review status: criteria provided, single submitter. Criteria: ACMG Guidelines, 2015. Collection method: clinical testing. Allele origin: germline. Affected: yes.
Comment: The variant is observed at an extremely low frequency in the gnomAD v4.0.0 dataset (total allele frequency: <0.001%). Predicted Consequence/Location: The majority of the known disease-causing variants of this gene are variants expected to result in premature termination of the protein. In silico tool predictions suggest damaging effect of the variant on gene or gene product [REVEL: 0.86 (>=0.6, sensitivity 0.68 and specificity 0.92); 3Cnet: 0.43 (>=0.6, sensitivity 0.72 and precision 0.9)]. The same nucleotide change resulting in the same amino acid change has been previously reported as pathogenic/likely pathogenic with strong evidence (ClinVar ID: VCV001705393 /PMID: 30369941 /3billion dataset). The variant has been reported to be in trans with a pathogenic variant as either compound heterozygous or homozygous in at least one similarly affected unrelated individual (PMID: 30369941). Therefore, this variant is classified as Pathogenic according to the recommendation of ACMG/AMP guideline.

CeGaT Center for Human Genetics Tuebingen
Classification: Likely pathogenic. Last evaluated: 2022-12-01. Review status: criteria provided, single submitter. Criteria: CeGaT Center For Human Genetics Tuebingen Variant Classification Criteria Version 2. Collection method: clinical testing. Allele origin: germline. Affected: yes. Observed: 1 variant allele.
Comment: NDUFV2: PM2, PM3, PS3:Moderate, PP1, PP3

Literature cited by the submitters: PubMed 30369941 (cited by 3billion).

NM_021074.5(NDUFV2):c.547G>A (p.Ala183Thr)

Genes: NDUFV2 (NADH:ubiquinone oxidoreductase core subunit V2; plus strand), NDUFV2-AS1 (NDUFV2 antisense RNA 1; minus strand). Cytogenetic location: 18p11.22.
Variant type: single nucleotide variant.
Coding change: c.547G>A on transcript NM_021074.5 (MANE Select); coding-DNA position 547, G replaced by A.
Protein change: p.Ala183Thr; replaces alanine 183 with threonine.
Molecular consequence: missense variant.
Genome position (GRCh38, 1-based): chr18:9,124,951, G>A. VCF-style: chr18-9124951-G-A. GRCh37 (hg19) VCF-style: chr18-9124949-G-A.
Other names: short protein forms A183T.
Identifiers: ClinVar variation 1705393 (VCV001705393.33), dbSNP rs1428682980, ClinGen allele CA401856902.